The following is an entry in ClinVar:

NM_004415.4(DSP):c.5620A>G (p.Lys1874Glu)

Gene: DSP (desmoplakin; plus strand). Cytogenetic location: 6p24.3.
Variant type: single nucleotide variant.
Coding change: c.5620A>G on transcript NM_004415.4 (MANE Select); coding-DNA position 5620, A replaced by G.
Protein change: p.Lys1874Glu; replaces lysine 1874 with glutamic acid.
Molecular consequence: missense variant.
Genome position (GRCh38, 1-based): chr6:7,582,882, A>G. VCF-style: chr6-7582882-A-G. GRCh37 (hg19) VCF-style: chr6-7583115-A-G.
Other names: c.3823A>G, p.Lys1275Glu (NM_001008844.3); c.4291A>G, p.Lys1431Glu (NM_001319034.2); short protein forms K1874E, K1431E, K1275E.
Identifiers: ClinVar variation 1898607 (VCV001898607.6), dbSNP rs918001818, ClinGen allele CA133972087.
Genomic context (GRCh38, chr6:7,582,882, plus strand): 5'-GAGTGTGAGAAACAGCAAATTCAGAATGACCTGAATCAGTGGAAGACTCAATATTCCCGC[A>G]AGGAGGAGGCTATTAGGAAGATAGAATCGGAAAGAGAAAAGAGTGAGAGAGAGAAGAACA-3'
Protein context (NP_004406.2, residues 1864-1884): LNQWKTQYSR[Lys1874Glu]EEAIRKIESE

ClinVar aggregate classification (germline): Uncertain significance. Review status: criteria provided, multiple submitters, no conflicts (2 of 4 stars). 2 submissions from 2 submitters: Uncertain significance (2). Last evaluated 2026-03-07.

Conditions:
Arrhythmogenic right ventricular dysplasia 8 (ARVD8). Also called: Arrhythmogenic Right Ventricular Dysplasia/Cardiomyopathy 8; ARRHYTHMOGENIC RIGHT VENTRICULAR DYSPLASIA, FAMILIAL, 8; ARRHYTHMOGENIC RIGHT VENTRICULAR CARDIOMYOPATHY 8. Identifiers: MedGen C1843896, MONDO:0011831, OMIM 607450.
Arrhythmogenic cardiomyopathy with wooly hair and keratoderma. Also called: PALMOPLANTAR KERATODERMA WITH LEFT VENTRICULAR CARDIOMYOPATHY AND WOOLLY HAIR; Carvajal syndrome; Dilated cardiomyopathy with woolly hair and keratoderma; Arrhythmogenic cardiomyopathy with woolly hair and keratoderma. Identifiers: Orphanet 65282, MedGen C1854063, MONDO:0011581, OMIM 605676.
Cardiovascular phenotype. Identifiers: MedGen CN230736.

Allele frequency attached by ClinVar (database versions not stated): TOPMed 0.00001; gnomAD exomes below 0.00001; gnomAD 0.00001.
gnomAD v4.1: 2 of 1,614,006 alleles (0.00012%); highest among the groups gnomAD compares: Non-Finnish European, 0.00017%; no homozygotes.

Submissions (2):

Ambry Genetics
Classification: Uncertain significance for Cardiovascular phenotype. Last evaluated: 2026-03-07. Review status: criteria provided, single submitter. Criteria: Ambry Variant Classification Scheme 2023. Collection method: clinical testing. Allele origin: germline.
Comment: The p.K1874E variant (also known as c.5620A>G), located in coding exon 24 of the DSP gene, results from an A to G substitution at nucleotide position 5620. The lysine at codon 1874 is replaced by glutamic acid, an amino acid with similar properties. This amino acid position is conserved. In addition, this alteration is predicted to be tolerated by in silico analysis. Based on the available evidence, the clinical significance of this variant remains unclear.

Labcorp Genetics (formerly Invitae), Labcorp
Classification: Uncertain significance for Arrhythmogenic cardiomyopathy with wooly hair and keratoderma; Arrhythmogenic right ventricular dysplasia 8. Last evaluated: 2022-05-18. Review status: criteria provided, single submitter. Criteria: Invitae Variant Classification Sherloc (09022015). Collection method: clinical testing. Allele origin: germline.
Comment: In summary, the available evidence is currently insufficient to determine the role of this variant in disease. Therefore, it has been classified as a Variant of Uncertain Significance. Algorithms developed to predict the effect of missense changes on protein structure and function (SIFT, PolyPhen-2, Align-GVGD) all suggest that this variant is likely to be tolerated. This variant has not been reported in the literature in individuals affected with DSP-related conditions. This variant is not present in population databases (gnomAD no frequency). This sequence change replaces lysine, which is basic and polar, with glutamic acid, which is acidic and polar, at codon 1874 of the DSP protein (p.Lys1874Glu).